The following is an entry in ClinVar:

ClinVar aggregate classification (germline): Uncertain significance. Review status: criteria provided, multiple submitters, no conflicts (2 of 4 stars). 2 submissions from 2 submitters: Uncertain significance (2). Last evaluated 2025-06-06.

Conditions:
Aicardi-Goutieres syndrome 7 (AGS7). Identifiers: Orphanet 51, MedGen C3888244, MONDO:0014367, OMIM 615846.
Singleton-Merten syndrome 1 (SGMRT1). Also called: Widened medullary cavities of bone, aortic calcification, abnormal dentition, and muscular weakness; Syndrome of widened medullary cavities of the metacarpals and phalanges, aortic calcification and abnormal dentition. Identifiers: Orphanet 85191, MedGen C4225427, MONDO:0024535, OMIM 182250.

Submissions (2):

GeneDx
Classification: Uncertain significance. Last evaluated: 2025-06-06. Review status: criteria provided, single submitter. Criteria: GeneDx Variant Classification Process June 2021. Collection method: clinical testing. Allele origin: germline. Affected: yes.
Comment: Not observed at significant frequency in large population cohorts (gnomAD); Has not been previously published as pathogenic or benign to our knowledge; Frameshift variant predicted to result in protein truncation or nonsense mediated decay in a gene for which loss-of-function is not a known mechanism of disease

Labcorp Genetics (formerly Invitae), Labcorp
Classification: Uncertain significance for Aicardi-Goutieres syndrome 7; Singleton-Merten syndrome 1. Last evaluated: 2024-06-25. Review status: criteria provided, single submitter. Criteria: Invitae Variant Classification Sherloc (09022015). Collection method: clinical testing. Allele origin: germline.
Comment: This sequence change creates a premature translational stop signal (p.Asn55Thrfs*9) in the IFIH1 gene. It is expected to result in an absent or disrupted protein product. However, the current clinical and genetic evidence is not sufficient to establish whether loss-of-function variants in IFIH1 cause disease. This variant is not present in population databases (gnomAD no frequency). This variant has not been reported in the literature in individuals affected with IFIH1-related conditions. ClinVar contains an entry for this variant (Variation ID: 1962087). In summary, the available evidence is currently insufficient to determine the role of this variant in disease. Therefore, it has been classified as a Variant of Uncertain Significance.

NM_022168.4(IFIH1):c.162del (p.Asn55fs)

Gene: IFIH1 (interferon induced with helicase C domain 1; minus strand). Cytogenetic location: 2q24.2.
Variant type: Deletion.
Coding change: c.162del on transcript NM_022168.4 (MANE Select); coding-DNA position 162, one base deleted (G; older notation c.162delG).
Protein change: p.Asn55fs; shifts the reading frame from asparagine 55.
Molecular consequence: frameshift variant.
Genome position (GRCh38, 1-based): chr2:162,318,146, C deleted on the plus strand (G on the coding strand, the reverse complement: IFIH1 is on the minus strand); the first of 3 consecutive C bases (chr2:162,318,146-162,318,148); deleting any one gives the same sequence. VCF-style (leftmost placement, unchanged base first): chr2-162318145-TC-T. GRCh37 (hg19) VCF-style: chr2-163174655-TC-T.
Other names: c.162del (NM_022168.3); short protein forms N55fs.
Identifiers: ClinVar variation 1962087 (VCV001962087.6), dbSNP rs1394699072, ClinGen allele CA759839225.